The following is an entry in ClinVar:

NM_014915.3(ANKRD26):c.4534G>A (p.Glu1512Lys)

Gene: ANKRD26 (ankyrin repeat domain 26; minus strand). Cytogenetic location: 10p12.1.
Variant type: single nucleotide variant.
Coding change: c.4534G>A on transcript NM_014915.3 (MANE Select); coding-DNA position 4534, G replaced by A.
Protein change: p.Glu1512Lys; replaces glutamic acid 1512 with lysine.
Molecular consequence: missense variant.
Genome position (GRCh38, 1-based): chr10:27,014,684, C>T on the plus strand (G>A on the coding strand, the complement: ANKRD26 is on the minus strand). VCF-style: chr10-27014684-C-T. GRCh37 (hg19) VCF-style: chr10-27303613-C-T.
Other names: c.4531G>A, p.Glu1511Lys (NM_001256053.2); short protein forms E1511K, E1512K.
Identifiers: ClinVar variation 2630295 (VCV002630295.6), dbSNP rs771926693, ClinGen allele CA5447768.
Genomic context (GRCh38, chr10:27,014,684, plus strand): 5'-CTTTAATTCTGAGTTCCATCTGACTTTTCATTGAAGCAAAATTATTCTCTCTAAACTGCT[C>T]TAAGTTTTCTTGAGATGCTGCTTGTGCCTAAAACAAATTAAAAGCATATGTTTTAAAAAT-3'
Protein context (NP_055730.2, residues 1502-1522): QAQAASQENL[Glu1512Lys]QFRENNFASM

ClinVar aggregate classification (germline): Uncertain significance. Review status: criteria provided, multiple submitters, no conflicts (2 of 4 stars). 4 submissions from 4 submitters: Uncertain significance (4). Last evaluated 2025-11-26.

Conditions:
Inborn genetic diseases. Identifiers: MedGen C0950123, MeSH D030342.
ANKRD26-related disorder. Also called: ANKRD26-related condition.

Allele frequency attached by ClinVar (database versions not stated): TOPMed below 0.00001; ExAC 0.00001.
gnomAD v4.1: 6 of 1,612,986 alleles (0.00037%); highest among the groups gnomAD compares: Non-Finnish European, 0.00051%; no homozygotes.

Submissions (4):

Ambry Genetics
Classification: Uncertain significance for Inborn genetic diseases. Last evaluated: 2025-11-26. Review status: criteria provided, single submitter. Criteria: Ambry Variant Classification Scheme 2023. Collection method: clinical testing. Allele origin: germline.

Labcorp Genetics (formerly Invitae), Labcorp
Classification: Uncertain significance. Last evaluated: 2024-06-30. Review status: criteria provided, single submitter. Criteria: Invitae Variant Classification Sherloc (09022015). Collection method: clinical testing. Allele origin: germline.
Comment: This sequence change replaces glutamic acid, which is acidic and polar, with lysine, which is basic and polar, at codon 1512 of the ANKRD26 protein (p.Glu1512Lys). This variant is present in population databases (rs771926693, gnomAD 0.0009%). This variant has not been reported in the literature in individuals affected with ANKRD26-related conditions. ClinVar contains an entry for this variant (Variation ID: 2630295). An algorithm developed to predict the effect of missense changes on protein structure and function (PolyPhen-2) suggests that this variant is likely to be disruptive. In summary, the available evidence is currently insufficient to determine the role of this variant in disease. Therefore, it has been classified as a Variant of Uncertain Significance.

GeneDx
Classification: Uncertain significance. Last evaluated: 2024-01-12. Review status: criteria provided, single submitter. Criteria: GeneDx Variant Classification Process June 2021. Collection method: clinical testing. Allele origin: germline. Affected: yes.
Comment: Not observed at significant frequency in large population cohorts (gnomAD); In silico analysis supports that this missense variant has a deleterious effect on protein structure/function; Has not been previously published as pathogenic or benign to our knowledge

PreventionGenetics, part of Exact Sciences
Classification: Uncertain significance for ANKRD26-related condition. Last evaluated: 2023-02-02. Review status: criteria provided, single submitter. Criteria: ACMG Guidelines, 2015. Collection method: clinical testing. Allele origin: germline.
Comment: The ANKRD26 c.4534G>A variant is predicted to result in the amino acid substitution p.Glu1512Lys. To our knowledge, this variant has not been reported in the literature. This variant is reported in 0.00089% of alleles in individuals of European (Non-Finnish) descent in gnomAD. At this time, the clinical significance of this variant is uncertain due to the absence of conclusive functional and genetic evidence.